The following is an entry in ClinVar:

NM_006269.2(RP1):c.2596_2597del (p.Leu866fs)

Gene: RP1 (RP1 axonemal microtubule associated; plus strand). Cytogenetic location: 8q12.1.
Variant type: Deletion.
Coding change: c.2596_2597del on transcript NM_006269.2 (MANE Select); coding-DNA positions 2596 to 2597, 2 bases deleted (TT; older notation c.2596_2597delTT).
Protein change: p.Leu866fs; shifts the reading frame from leucine 866.
Molecular consequence: frameshift variant.
Genome position (GRCh38, 1-based): chr8:54,626,478-54,626,479, TT deleted; deleting any 2 consecutive bases within chr8:54,626,477-54,626,479 gives the same sequence; the c. name uses the placement nearest the transcript's 3' end. VCF-style (leftmost placement, unchanged base first): chr8-54626476-CTT-C. GRCh37 (hg19) VCF-style: chr8-55539036-CTT-C.
Other names: c.2596_2597del (NM_006269.1); short protein forms L866fs.
Identifiers: ClinVar variation 437954 (VCV000437954.12), dbSNP rs1554519635, ClinGen allele CA645509469.

ClinVar aggregate classification (germline): Pathogenic. Review status: criteria provided, multiple submitters, no conflicts (2 of 4 stars). 3 submissions from 3 submitters: Pathogenic (2). 1 of the submissions does not count toward it. Last evaluated 2022-07-09.

Conditions:
RP1-related disorder. Also called: RP1-related condition.
Retinitis pigmentosa (RP). Identifiers: Orphanet 791, MedGen C0035334, MeSH D012174, MONDO:0019200, OMIM 268000. Inheritance: Autosomal dominant, autosomal recessive and X linked inheritance.

Submissions (3):

Labcorp Genetics (formerly Invitae), Labcorp
Classification: Pathogenic. Last evaluated: 2022-07-09. Review status: criteria provided, single submitter. Criteria: Invitae Variant Classification Sherloc (09022015). Collection method: clinical testing. Allele origin: germline.
Comment: This variant disrupts the C-terminus of the RP1 protein. Many variants that disrupt this region have been reported in individuals with either autosomal dominant or autosomal recessive retinitis pigmentosa (PMID: 11527933, 19933189, 29425069, 30027431, 33681214). Therefore, variants that disrupt this region are expected to be disease-causing. ClinVar contains an entry for this variant (Variation ID: 437954). This premature translational stop signal has been observed in individuals with autosomal dominant retinitis pigmentosa (PMID: 28041643, 30731082; Invitae). This variant is not present in population databases (gnomAD no frequency). This sequence change creates a premature translational stop signal (p.Leu866Lysfs*7) in the RP1 gene. While this is not anticipated to result in nonsense mediated decay, it is expected to disrupt the last 1291 amino acid(s) of the RP1 protein. For these reasons, this variant has been classified as Pathogenic.

Blueprint Genetics
Classification: Pathogenic for RP1-related disorders. Last evaluated: 2020-11-18. Review status: criteria provided, single submitter. Criteria: ACMG Guidelines, 2015. Collection method: clinical testing. Allele origin: germline. Affected: yes. Observed: 2 variant alleles.

NIHR Bioresource Rare Diseases, University of Cambridge
Classification: Likely pathogenic for Retinitis pigmentosa. Last evaluated: 2015-01-01. Review status: no assertion criteria provided. Collection method: research. Allele origin: unknown. Affected: yes. Observed: 1 variant allele. Not counted in ClinVar's aggregate classification.

Literature cited by the submitters: PubMed 11527933 (cited by Labcorp Genetics (formerly Invitae), Labcorp); PubMed 19933189 (cited by Labcorp Genetics (formerly Invitae), Labcorp); PubMed 29425069 (cited by Labcorp Genetics (formerly Invitae), Labcorp); PubMed 30027431 (cited by Labcorp Genetics (formerly Invitae), Labcorp); PubMed 33681214 (cited by Labcorp Genetics (formerly Invitae), Labcorp); PubMed 28041643 (cited by Labcorp Genetics (formerly Invitae), Labcorp and NIHR Bioresource Rare Diseases, University of Cambridge); PubMed 30731082 (cited by Labcorp Genetics (formerly Invitae), Labcorp).